The following is an entry in ClinVar:

NM_004360.5(CDH1):c.1250ATG[2] (p.Asp419del)

Gene: CDH1 (cadherin 1; plus strand). Cytogenetic location: 16q22.1.
Variant type: Microsatellite.
Coding change: c.1250ATG[2] on transcript NM_004360.5 (MANE Select); two copies in a row of the 3-base unit ATG starting at c.1250; the reference has three copies in a row; one copy, 3 bases deleted.
Protein change: p.Asp419del; deletes aspartic acid 419.
Molecular consequence: inframe deletion. On other transcripts: 5 prime UTR variant (2), intron variant (1).
Genome position (GRCh38, 1-based): chr16:68,813,431-68,813,433, ATG deleted; deleting any 3 consecutive bases within chr16:68,813,425-68,813,433 gives the same sequence; the position shown is the placement nearest the transcript's 3' end. VCF-style (leftmost placement, unchanged base first): chr16-68813424-AATG-A. GRCh37 (hg19) VCF-style: chr16-68847327-AATG-A.
Other names: c.-366ATG[2] (NM_001317185.2); c.-570ATG[2] (NM_001317186.2); c.1137+1162ATG[2] (NM_001317184.2); short protein forms D419del.
Identifiers: ClinVar variation 2738912 (VCV002738912.3), dbSNP rs2543926927, ClinGen allele CA2576038797.

ClinVar aggregate classification (germline): Uncertain significance (1 of 4 stars; one submission).

Conditions:
Hereditary diffuse gastric adenocarcinoma (HDGC). Also called: DIFFUSE GASTRIC AND LOBULAR BREAST CANCER SYNDROME. Identifiers: Orphanet 26106, MedGen C1708349, MONDO:0007648, OMIM 137215.

Submission:

Labcorp Genetics (formerly Invitae), Labcorp
Classification: Uncertain significance for Hereditary diffuse gastric adenocarcinoma. Last evaluated: 2025-02-17. Review status: criteria provided, single submitter. Criteria: Invitae Variant Classification Sherloc (09022015). Collection method: clinical testing. Allele origin: germline.
Comment: This variant, c.1256_1258del, results in the deletion of 1 amino acid(s) of the CDH1 protein (p.Asp419del), but otherwise preserves the integrity of the reading frame. This variant is not present in population databases (gnomAD no frequency). This variant has not been reported in the literature in individuals affected with CDH1-related conditions. Experimental studies and prediction algorithms are not available or were not evaluated, and the functional significance of this variant is currently unknown. In summary, the available evidence is currently insufficient to determine the role of this variant in disease. Therefore, it has been classified as a Variant of Uncertain Significance.